The following is an entry in ClinVar:

NM_000038.6(APC):c.1429G>A (p.Glu477Lys)

Gene: APC (APC regulator of Wnt signaling pathway; plus strand). Cytogenetic location: 5q22.2.
Variant type: single nucleotide variant.
Coding change: c.1429G>A on transcript NM_000038.6 (MANE Select); coding-DNA position 1429, G replaced by A.
Protein change: p.Glu477Lys; replaces glutamic acid 477 with lysine.
Molecular consequence: missense variant.
Genome position (GRCh38, 1-based): chr5:112,827,128, G>A. VCF-style: chr5-112827128-G-A. GRCh37 (hg19) VCF-style: chr5-112162825-G-A.
Other names: c.1429G>A, p.Glu477Lys (NM_001127510.3, NM_001354895.2, NM_001407450.1); c.1375G>A, p.Glu459Lys (NM_001127511.3); c.1483G>A, p.Glu495Lys (NM_001354896.2, NM_001407447.1, NM_001407448.1 and 1 more transcripts); c.1459G>A, p.Glu487Lys (NM_001354897.2); c.1354G>A, p.Glu452Lys (NM_001354898.2); c.1345G>A, p.Glu449Lys (NM_001354899.2); c.1306G>A, p.Glu436Lys (NM_001354900.2); c.1252G>A, p.Glu418Lys (NM_001354901.2, NM_001407453.1); and 11 more; short protein forms E467K, E495K, E93K, E348K, E394K, E470K, E317K, E351K.
Identifiers: ClinVar variation 1772451 (VCV001772451.5), dbSNP rs1763761095, ClinGen allele CA16024432.
Genomic context (GRCh38, chr5:112,827,128, plus strand): 5'-TTAGATGATTGTCTTTTTCCTCTTGCCCTTTTTAAATTAGGGGGACTACAGGCCATTGCA[G>A]AATTATTGCAAGTGGACTGTGAAATGTATGGGCTTACTAATGACCACTACAGTATTACAC-3'
Protein context (NP_000029.2, residues 467-487): NELGGLQAIA[Glu477Lys]LLQVDCEMYG

ClinVar aggregate classification (germline): Uncertain significance. Review status: criteria provided, multiple submitters, no conflicts (2 of 4 stars). 2 submissions from 2 submitters: Uncertain significance (2). Last evaluated 2023-08-16.

Conditions:
Hereditary cancer-predisposing syndrome. Also called: Hereditary Cancer Syndrome; Hereditary neoplastic syndrome; Neoplastic Syndromes, Hereditary; Tumor predisposition. Identifiers: Orphanet 140162, MedGen C0027672, MeSH D009386, MONDO:0015356.
Familial adenomatous polyposis 1 (FAP1). Also called: FAMILIAL ADENOMATOUS POLYPOSIS 1, ATTENUATED; POLYPOSIS, ADENOMATOUS INTESTINAL. Identifiers: MedGen C2713442, MONDO:0021056, OMIM 175100. Disease mechanism: loss of function.

Submissions (2):

Labcorp Genetics (formerly Invitae), Labcorp
Classification: Uncertain significance for Familial adenomatous polyposis 1. Last evaluated: 2023-08-16. Review status: criteria provided, single submitter. Criteria: Invitae Variant Classification Sherloc (09022015). Collection method: clinical testing. Allele origin: germline.
Comment: In summary, the available evidence is currently insufficient to determine the role of this variant in disease. Therefore, it has been classified as a Variant of Uncertain Significance. Advanced modeling of protein sequence and biophysical properties (such as structural, functional, and spatial information, amino acid conservation, physicochemical variation, residue mobility, and thermodynamic stability) performed at Invitae indicates that this missense variant is not expected to disrupt APC protein function. This sequence change replaces glutamic acid, which is acidic and polar, with lysine, which is basic and polar, at codon 477 of the APC protein (p.Glu477Lys). ClinVar contains an entry for this variant (Variation ID: 1772451). This variant has not been reported in the literature in individuals affected with APC-related conditions. This variant is not present in population databases (gnomAD no frequency).

Ambry Genetics
Classification: Uncertain significance for Hereditary cancer-predisposing syndrome. Last evaluated: 2021-10-13. Review status: criteria provided, single submitter. Criteria: Ambry Variant Classification Scheme 2023. Collection method: clinical testing. Allele origin: germline.
Comment: The p.E477K variant (also known as c.1429G>A), located in coding exon 11 of the APC gene, results from a G to A substitution at nucleotide position 1429. The glutamic acid at codon 477 is replaced by lysine, an amino acid with similar properties. This amino acid position is highly conserved in available vertebrate species. In addition, in silico predictors for this gene do not accurately predict pathogenicity. Since supporting evidence is limited at this time, the clinical significance of this alteration remains unclear.